The following is an entry in ClinVar:

ClinVar aggregate classification (germline): Pathogenic (1 of 4 stars; one submission).

Conditions:
Neurofibromatosis, type 1 (NF1). Also called: Neurofibromatosis, type I; Peripheral type neurofibromatosis; VON RECKLINGHAUSEN DISEASE; NEUROFIBROMATOSIS, TYPE I, SOMATIC. Identifiers: Orphanet 636, MedGen C0027831, MONDO:0018975, OMIM 162200. Disease mechanism: loss of function.

Submission:

Labcorp Genetics (formerly Invitae), Labcorp
Classification: Pathogenic for Neurofibromatosis, type 1. Last evaluated: 2023-09-20. Review status: criteria provided, single submitter. Criteria: Invitae Variant Classification Sherloc (09022015). Collection method: clinical testing. Allele origin: germline.
Comment: This variant is not present in population databases (gnomAD no frequency). For these reasons, this variant has been classified as Pathogenic. This variant has not been reported in the literature in individuals affected with NF1-related conditions. This sequence change creates a premature translational stop signal (p.Phe1376Serfs*9) in the NF1 gene. It is expected to result in an absent or disrupted protein product. Loss-of-function variants in NF1 are known to be pathogenic (PMID: 10712197, 23913538).

Literature cited by the submitters: PubMed 10712197; PubMed 23913538.

NM_001042492.3(NF1):c.4190del (p.Phe1397fs)

Gene: NF1 (neurofibromin 1; plus strand). Cytogenetic location: 17q11.2.
Variant type: Deletion.
Coding change: c.4190del on transcript NM_001042492.3 (MANE Select); coding-DNA position 4190, one base deleted (T; older notation c.4190delT).
Protein change: p.Phe1397fs; shifts the reading frame from phenylalanine 1397.
Molecular consequence: frameshift variant.
Genome position (GRCh38, 1-based): chr17:31,258,360, T deleted; the last of 3 consecutive T bases (chr17:31,258,358-31,258,360); deleting any one gives the same sequence. VCF-style (leftmost placement, unchanged base first): chr17-31258357-GT-G. GRCh37 (hg19) VCF-style: chr17-29585375-GT-G.
Other names: c.4127delT, p.Phe1376Serfs (NM_000267.4); short protein forms F1376fs, F1397fs.
Identifiers: ClinVar variation 2733937 (VCV002733937.3), dbSNP rs2151461802, ClinGen allele CA2697559737.